The following is an entry in ClinVar:

NM_001099922.3(ALG13):c.197C>A (p.Ser66Tyr)

Gene: ALG13 (ALG13 UDP-N-acetylglucosaminyltransferase subunit; plus strand). Cytogenetic location: Xq23.
Variant type: single nucleotide variant.
Coding change: c.197C>A on transcript NM_001099922.3 (MANE Select); coding-DNA position 197, C replaced by A.
Protein change: p.Ser66Tyr; replaces serine 66 with tyrosine.
Molecular consequence: missense variant. On other transcripts: 5 prime UTR variant (9), non-coding transcript variant (3), intron variant (3).
Genome position (GRCh38, 1-based): chrX:111,682,247, C>A. VCF-style: chrX-111682247-C-A. GRCh37 (hg19) VCF-style: chrX-110925475-C-A.
Other names: c.197C>A (NM_001099922.2); c.197C>A, p.Ser66Tyr (NM_001168385.3, NM_001324290.2, NM_001324292.2 and 1 more transcripts); c.-116C>A (NM_001257230.2, NM_001257234.2, NM_001257235.3 and 6 more transcripts); c.10+12C>A (NM_001257231.2, NM_001257241.3); c.185+12C>A (NM_001039210.5); short protein forms S66Y.
Identifiers: ClinVar variation 2757534 (VCV002757534.4), dbSNP rs2525055822, ClinGen allele CA414248385.

ClinVar aggregate classification (germline): Uncertain significance. Review status: criteria provided, multiple submitters, no conflicts (2 of 4 stars). 2 submissions from 2 submitters: Uncertain significance (2). Last evaluated 2023-11-27.

Conditions:
Inborn genetic diseases. Identifiers: MedGen C0950123, MeSH D030342.
Developmental and epileptic encephalopathy, 36 (DEE36). Also called: Congenital disorder of glycosylation, type Is; ALG13-CDG; Epileptic encephalopathy, early infantile, 36. Identifiers: Orphanet 324422, MedGen C4317295, MONDO:0010472, OMIM 300884.

gnomAD v4.1: 1 of 1,194,187 alleles (0.000084%); highest among the groups gnomAD compares: Non-Finnish European, 0.00011%; no homozygotes.

Submissions (2):

Labcorp Genetics (formerly Invitae), Labcorp
Classification: Uncertain significance for Developmental and epileptic encephalopathy, 36. Last evaluated: 2023-11-27. Review status: criteria provided, single submitter. Criteria: Invitae Variant Classification Sherloc (09022015). Collection method: clinical testing. Allele origin: germline.
Comment: This sequence change replaces serine, which is neutral and polar, with tyrosine, which is neutral and polar, at codon 66 of the ALG13 protein (p.Ser66Tyr). This variant is not present in population databases (gnomAD no frequency). This variant has not been reported in the literature in individuals affected with ALG13-related conditions. An algorithm developed to predict the effect of missense changes on protein structure and function (PolyPhen-2) suggests that this variant is likely to be disruptive. In summary, the available evidence is currently insufficient to determine the role of this variant in disease. Therefore, it has been classified as a Variant of Uncertain Significance.

Ambry Genetics
Classification: Uncertain significance for Inborn genetic diseases. Last evaluated: 2023-09-22. Review status: criteria provided, single submitter. Criteria: Ambry Variant Classification Scheme 2023. Collection method: clinical testing. Allele origin: germline.